The following is an entry in ClinVar:

NM_022436.3(ABCG5):c.1043T>C (p.Leu348Pro)

Genes: ABCG5 (ATP binding cassette subfamily G member 5; minus strand), DYNC2LI1 (dynein cytoplasmic 2 light intermediate chain 1; plus strand). Cytogenetic location: 2p21.
Variant type: single nucleotide variant.
Coding change: c.1043T>C on transcript NM_022436.3 (MANE Select); coding-DNA position 1043, T replaced by C.
Protein change: p.Leu348Pro; replaces leucine 348 with proline.
Molecular consequence: missense variant. On other transcripts: intron variant (2).
Genome position (GRCh38, 1-based): chr2:43,824,294, A>G on the plus strand (T>C on the coding strand, the complement: ABCG5 is on the minus strand). VCF-style: chr2-43824294-A-G. GRCh37 (hg19) VCF-style: chr2-44051433-A-G.
Other names: c.*16-3092A>G (NM_001348913.2, NM_001348912.2); short protein forms L348P.
Identifiers: ClinVar variation 2148935 (VCV002148935.3), dbSNP rs374824368, ClinGen allele CA46462776.

ClinVar aggregate classification (germline): Uncertain significance (1 of 4 stars; one submission).

Conditions:
Sitosterolemia (STSL). Also called: PHYTOSTEROLEMIA. Identifiers: Orphanet 2882, MedGen C0342907, MONDO:0008863.

gnomAD v4.1: 11 of 1,614,048 alleles (0.00068%); highest among the groups gnomAD compares: Non-Finnish European, 0.00085%; no homozygotes.

Submission:

Labcorp Genetics (formerly Invitae), Labcorp
Classification: Uncertain significance for Sitosterolemia. Last evaluated: 2022-08-10. Review status: criteria provided, single submitter. Criteria: Invitae Variant Classification Sherloc (09022015). Collection method: clinical testing. Allele origin: germline.
Comment: In summary, the available evidence is currently insufficient to determine the role of this variant in disease. Therefore, it has been classified as a Variant of Uncertain Significance. Algorithms developed to predict the effect of missense changes on protein structure and function output the following: SIFT: "Tolerated"; PolyPhen-2: "Benign"; Align-GVGD: "Class C0". The proline amino acid residue is found in multiple mammalian species, which suggests that this missense change does not adversely affect protein function. This variant has not been reported in the literature in individuals affected with ABCG5-related conditions. This variant is present in population databases (no rsID available, gnomAD 0.002%). This sequence change replaces leucine, which is neutral and non-polar, with proline, which is neutral and non-polar, at codon 348 of the ABCG5 protein (p.Leu348Pro).